The following is an entry in ClinVar:

ClinVar aggregate classification (germline): Uncertain significance (1 of 4 stars; one submission).

gnomAD v4.1: 11 of 1,591,576 alleles (0.00069%); highest among the groups gnomAD compares: African/African-American, 0.0013%; no homozygotes.

Submission:

GeneDx
Classification: Uncertain significance. Last evaluated: 2024-05-16. Review status: criteria provided, single submitter. Criteria: GeneDx Variant Classification Process June 2021. Collection method: clinical testing. Allele origin: germline. Affected: yes.
Comment: In silico analysis indicates that this missense variant does not alter protein structure/function; Has not been previously published as pathogenic or benign to our knowledge

NM_001009944.3(PKD1):c.2428A>G (p.Asn810Asp)

Gene: PKD1 (polycystin 1, transient receptor potential channel interacting; minus strand). Cytogenetic location: 16p13.3.
Variant type: single nucleotide variant.
Coding change: c.2428A>G on transcript NM_001009944.3 (MANE Select); coding-DNA position 2428, A replaced by G.
Protein change: p.Asn810Asp; replaces asparagine 810 with aspartic acid.
Molecular consequence: missense variant.
Genome position (GRCh38, 1-based): chr16:2,114,595, T>C on the plus strand (A>G on the coding strand, the complement: PKD1 is on the minus strand). VCF-style: chr16-2114595-T-C. GRCh37 (hg19) VCF-style: chr16-2164596-T-C.
Other names: c.2428A>G, p.Asn810Asp (NM_000296.4); short protein forms N810D.
Identifiers: ClinVar variation 3378294 (VCV003378294.1).